The following is an entry in ClinVar:

ClinVar aggregate classification (germline): Uncertain significance. Review status: criteria provided, multiple submitters, no conflicts (2 of 4 stars). 5 submissions from 5 submitters: Uncertain significance (5). Last evaluated 2026-05-19.

Conditions:
RP1-related disorder. Also called: RP1-related condition.
Inborn genetic diseases. Identifiers: MedGen C0950123, MeSH D030342.

Allele frequency attached by ClinVar (database versions not stated): gnomAD exomes 0.00001; ExAC 0.00002; gnomAD 0.00007; TOPMed 0.00008.
gnomAD v4.1: 18 of 1,613,902 alleles (0.0011%); highest among the groups gnomAD compares: African/African-American, 0.019%; no homozygotes.

Submissions (5):

PreventionGenetics, part of Exact Sciences
Classification: Uncertain significance for RP1-related condition. Last evaluated: 2026-05-19. Review status: criteria provided, single submitter. Criteria: ACMG Guidelines, 2015. Collection method: clinical testing. Allele origin: germline.
Comment: The RP1 c.320C>A variant is predicted to result in the amino acid substitution p.Ser107Tyr. To our knowledge, this variant has not been reported in the literature. This variant is reported in 0.024% of alleles in individuals of African descent in gnomAD. At this time, the clinical significance of this variant is uncertain due to the absence of conclusive functional and genetic evidence.

Labcorp Genetics (formerly Invitae), Labcorp
Classification: Uncertain significance. Last evaluated: 2026-01-04. Review status: criteria provided, single submitter. Criteria: Invitae Variant Classification Sherloc (09022015). Collection method: clinical testing. Allele origin: germline.
Comment: This sequence change replaces serine, which is neutral and polar, with tyrosine, which is neutral and polar, at codon 107 of the RP1 protein (p.Ser107Tyr). This variant is present in population databases (rs754124724, gnomAD 0.03%). This variant has not been reported in the literature in individuals affected with RP1-related conditions. ClinVar contains an entry for this variant (Variation ID: 1004901). An algorithm developed to predict the effect of missense changes on protein structure and function (PolyPhen-2) suggests that this variant is likely to be disruptive. In summary, the available evidence is currently insufficient to determine the role of this variant in disease. Therefore, it has been classified as a Variant of Uncertain Significance.

Ambry Genetics
Classification: Uncertain significance for Inborn genetic diseases. Last evaluated: 2024-07-26. Review status: criteria provided, single submitter. Criteria: Ambry Variant Classification Scheme 2023. Collection method: clinical testing. Allele origin: germline.

Blueprint Genetics
Classification: Uncertain significance. Last evaluated: 2021-11-11. Review status: criteria provided, single submitter. Criteria: ACMG Guidelines, 2015. Collection method: clinical testing. Allele origin: germline.

GeneDx
Classification: Uncertain significance. Last evaluated: 2020-01-28. Review status: criteria provided, single submitter. Criteria: GeneDx Variant Classification Process June 2021. Collection method: clinical testing. Allele origin: germline. Affected: yes.
Comment: In silico analysis, which includes protein predictors and evolutionary conservation, supports a deleterious effect; Has not been previously published as pathogenic or benign to our knowledge

NM_006269.2(RP1):c.320C>A (p.Ser107Tyr)

Gene: RP1 (RP1 axonemal microtubule associated; plus strand). Cytogenetic location: 8q12.1.
Variant type: single nucleotide variant.
Coding change: c.320C>A on transcript NM_006269.2 (MANE Select); coding-DNA position 320, C replaced by A.
Protein change: p.Ser107Tyr; replaces serine 107 with tyrosine.
Molecular consequence: missense variant.
Genome position (GRCh38, 1-based): chr8:54,621,286, C>A. VCF-style: chr8-54621286-C-A. GRCh37 (hg19) VCF-style: chr8-55533846-C-A.
Other names: c.320C>A, p.Ser107Tyr (NM_001375654.1); short protein forms S107Y.
Identifiers: ClinVar variation 1004901 (VCV001004901.11), dbSNP rs754124724, ClinGen allele CA4751117.